The following is an entry in ClinVar:

NM_177559.3(CSNK2A1):c.858C>T (p.His286=)

Gene: CSNK2A1 (casein kinase 2 alpha 1; minus strand). Cytogenetic location: 20p13.
Variant type: single nucleotide variant.
Coding change: c.858C>T on transcript NM_177559.3 (MANE Select); coding-DNA position 858, C replaced by T.
Protein change: p.His286=; no amino-acid change (histidine 286 retained).
Molecular consequence: synonymous variant.
Genome position (GRCh38, 1-based): chr20:487,542, G>A on the plus strand (C>T on the coding strand, the complement: CSNK2A1 is on the minus strand). VCF-style: chr20-487542-G-A. GRCh37 (hg19) VCF-style: chr20-468186-G-A.
Other names: c.858C>T, p.His286= (NM_001362770.2, NM_001362771.2, NM_001895.4); c.450C>T, p.His150= (NM_177560.3).
Identifiers: ClinVar variation 708253 (VCV000708253.35), dbSNP rs41306790, ClinGen allele CA9723866.

ClinVar aggregate classification (germline): Benign. Review status: criteria provided, multiple submitters, no conflicts (2 of 4 stars). 4 submissions from 4 submitters: Benign (4). Last evaluated 2026-09-01.

Allele frequency attached by ClinVar (database versions not stated): 1000 Genomes Project 0.00240; 1000 Genomes Project 30x 0.00297; ESP Exome Variant Server 0.00431; TOPMed 0.00505; ExAC 0.00540; gnomAD exomes 0.00561 and 0.00766; gnomAD 0.00591 and 0.00610.
gnomAD v4.1: 11,973 of 1,614,204 alleles (0.74%); highest among the groups gnomAD compares: Non-Finnish European, 0.87%; 67 homozygotes.

Submissions (4):

CeGaT Center for Human Genetics Tuebingen
Classification: Benign. Last evaluated: 2026-09-01. Review status: criteria provided, single submitter. Criteria: CeGaT Center For Human Genetics Tuebingen Variant Classification Criteria Version 2. Collection method: clinical testing. Allele origin: germline. Affected: yes. Observed: 19 variant alleles.
Comment: CSNK2A1: BP4, BS1, BS2

GeneDx
Classification: Benign. Last evaluated: 2020-01-30. Review status: criteria provided, single submitter. Criteria: GeneDx Variant Classification Process June 2021. Collection method: clinical testing. Allele origin: germline. Affected: yes.

Labcorp Genetics (formerly Invitae), Labcorp
Classification: Benign. Last evaluated: 2019-12-31. Review status: criteria provided, single submitter. Criteria: Invitae Variant Classification Sherloc (09022015). Collection method: clinical testing. Allele origin: germline.

Breakthrough Genomics
Classification: Benign. Review status: criteria provided, single submitter. Criteria: ACMG Guidelines, 2015. Collection method: not provided. Allele origin: germline. Inheritance: Autosomal dominant inheritance. Affected: yes.